The following is an entry in ClinVar:

ClinVar aggregate classification (germline): Likely benign. Review status: criteria provided, multiple submitters, no conflicts (2 of 4 stars). 3 submissions from 3 submitters: Likely benign (2). 1 of the submissions does not count toward it. Last evaluated 2025-05-19.

Conditions:
KCNH1-related disorder. Also called: KCNH1-related disorders; KCNH1-related condition.

Allele frequency attached by ClinVar (database versions not stated): gnomAD exomes below 0.00001; ExAC 0.00001; gnomAD 0.00002; TOPMed 0.00002.
gnomAD v4.1: 9 of 1,613,924 alleles (0.00056%); highest among the groups gnomAD compares: East Asian, 0.0067%; no homozygotes.

Submissions (3):

Labcorp Genetics (formerly Invitae), Labcorp
Classification: Likely benign. Last evaluated: 2025-05-19. Review status: criteria provided, single submitter. Criteria: Invitae Variant Classification Sherloc (09022015). Collection method: clinical testing. Allele origin: germline.

Blueprint Genetics
Classification: Likely benign. Last evaluated: 2024-09-27. Review status: criteria provided, single submitter. Criteria: ACMG Guidelines, 2015. Collection method: clinical testing. Allele origin: germline.

PreventionGenetics, part of Exact Sciences
Classification: Likely benign for KCNH1-related condition. Last evaluated: 2019-07-12. Review status: no assertion criteria provided. Collection method: clinical testing. Allele origin: germline. Not counted in ClinVar's aggregate classification.
Comment: This variant is classified as likely benign based on ACMG/AMP sequence variant interpretation guidelines (Richards et al. 2015 PMID: 25741868, with internal and published modifications).

NM_172362.3(KCNH1):c.1989C>T (p.Ala663=)

Gene: KCNH1 (potassium voltage-gated channel subfamily H member 1; minus strand). Cytogenetic location: 1q32.2.
Variant type: single nucleotide variant.
Coding change: c.1989C>T on transcript NM_172362.3 (MANE Select); coding-DNA position 1989, C replaced by T.
Protein change: p.Ala663=; no amino-acid change (alanine 663 retained).
Molecular consequence: synonymous variant.
Genome position (GRCh38, 1-based): chr1:210,775,471, G>A on the plus strand (C>T on the coding strand, the complement: KCNH1 is on the minus strand). VCF-style: chr1-210775471-G-A. GRCh37 (hg19) VCF-style: chr1-210948813-G-A.
Other names: c.1908C>T, p.Ala636= (NM_002238.4); c.1989C>T (NM_172362.2).
Identifiers: ClinVar variation 2200353 (VCV002200353.7), dbSNP rs776789670, ClinGen allele CA1379793.